The following is an entry in ClinVar:

ClinVar aggregate classification (germline): Uncertain significance (1 of 4 stars; one submission).

Submission:

Labcorp Genetics (formerly Invitae), Labcorp
Classification: Uncertain significance. Last evaluated: 2025-06-18. Review status: criteria provided, single submitter. Criteria: Invitae Variant Classification Sherloc (09022015). Collection method: clinical testing. Allele origin: germline.
Comment: This sequence change replaces arginine, which is basic and polar, with glycine, which is neutral and non-polar, at codon 657 of the ALPK3 protein (p.Arg657Gly). This variant is not present in population databases (gnomAD no frequency). This variant has not been reported in the literature in individuals affected with ALPK3-related conditions. ClinVar contains an entry for this variant (Variation ID: 3640436). Invitae Evidence Modeling of protein sequence and biophysical properties (such as structural, functional, and spatial information, amino acid conservation, physicochemical variation, residue mobility, and thermodynamic stability) indicates that this missense variant is not expected to disrupt ALPK3 protein function with a negative predictive value of 80%. In summary, the available evidence is currently insufficient to determine the role of this variant in disease. Therefore, it has been classified as a Variant of Uncertain Significance.

NM_020778.5(ALPK3):c.1363A>G (p.Arg455Gly)

Gene: ALPK3 (alpha kinase 3; plus strand). Cytogenetic location: 15q25.3.
Variant type: single nucleotide variant.
Coding change: c.1363A>G on transcript NM_020778.5 (MANE Select); coding-DNA position 1363, A replaced by G.
Protein change: p.Arg455Gly; replaces arginine 455 with glycine.
Molecular consequence: missense variant.
Genome position (GRCh38, 1-based): chr15:84,840,642, A>G. VCF-style: chr15-84840642-A-G. GRCh37 (hg19) VCF-style: chr15-85383873-A-G.
Other names: short protein forms R455G.
Identifiers: ClinVar variation 3640436 (VCV003640436.2).